The following is an entry in ClinVar:

NM_198525.3(KIF7):c.3637G>A (p.Gly1213Ser)

Genes: KIF7 (kinesin family member 7; minus strand), LOC126862216 (BRD4-independent group 4 enhancer GRCh37_chr15:90171995-90173194; plus strand). Cytogenetic location: 15q26.1.
Variant type: single nucleotide variant.
Coding change: c.3637G>A on transcript NM_198525.3 (MANE Select); coding-DNA position 3637, G replaced by A.
Protein change: p.Gly1213Ser; replaces glycine 1213 with serine.
Molecular consequence: missense variant.
Genome position (GRCh38, 1-based): chr15:89,629,003, C>T on the plus strand (G>A on the coding strand, the complement: KIF7 is on the minus strand). VCF-style: chr15-89629003-C-T. GRCh37 (hg19) VCF-style: chr15-90172234-C-T.
Other names: short protein forms G1213S.
Identifiers: ClinVar variation 885253 (VCV000885253.14), dbSNP rs143316368, ClinGen allele CA7727610.

ClinVar aggregate classification (germline): Conflicting classifications of pathogenicity. Review status: criteria provided, conflicting classifications (1 of 4 stars). 6 submissions from 6 submitters: Uncertain significance (3); Likely benign (3). Last evaluated 2024-11-18.

Conditions:
Acrocallosal syndrome (ACLS). Also called: HALLUX DUPLICATION, POSTAXIAL POLYDACTYLY, AND ABSENCE OF CORPUS CALLOSUM; Schinzel syndrome 1; Absence of corpus callosum with unusual facial appearance, mental deficiency, duplication of the halluces and polydactyly. Identifiers: Orphanet 36, MedGen C0796147, MONDO:0008708, OMIM 200990.
Multiple epiphyseal dysplasia, Al-Gazali type. Also called: Macrocephaly with multiple epiphyseal dysplasia and distinctive facies. Identifiers: Orphanet 166024, MedGen C1846722, MONDO:0011778, OMIM 607131.
Hydrolethalus syndrome 2 (HLS2). Identifiers: Orphanet 2189, MedGen C3279899, MONDO:0013585, OMIM 614120.
Inborn genetic diseases. Identifiers: MedGen C0950123, MeSH D030342.

Allele frequency attached by ClinVar (database versions not stated): 1000 Genomes Project 30x 0.00016; 1000 Genomes Project 0.00020; ExAC 0.00033; TOPMed 0.00051; ESP Exome Variant Server 0.00069.
gnomAD v4.1: 386 of 1,613,728 alleles (0.024%); highest among the groups gnomAD compares: East Asian, 0.13%; 2 homozygotes.

Submissions (6):

Labcorp Genetics (formerly Invitae), Labcorp
Classification: Uncertain significance for Acrocallosal syndrome. Last evaluated: 2024-11-18. Review status: criteria provided, single submitter. Criteria: Invitae Variant Classification Sherloc (09022015). Collection method: clinical testing. Allele origin: germline.
Comment: This sequence change replaces glycine, which is neutral and non-polar, with serine, which is neutral and polar, at codon 1213 of the KIF7 protein (p.Gly1213Ser). This variant is present in population databases (rs143316368, gnomAD 0.1%). This variant has not been reported in the literature in individuals affected with KIF7-related conditions. ClinVar contains an entry for this variant (Variation ID: 885253). Invitae Evidence Modeling of protein sequence and biophysical properties (such as structural, functional, and spatial information, amino acid conservation, physicochemical variation, residue mobility, and thermodynamic stability) indicates that this missense variant is not expected to disrupt KIF7 protein function with a negative predictive value of 80%. In summary, the available evidence is currently insufficient to determine the role of this variant in disease. Therefore, it has been classified as a Variant of Uncertain Significance.

GeneDx
Classification: Likely benign. Last evaluated: 2024-08-06. Review status: criteria provided, single submitter. Criteria: GeneDx Variant Classification Process June 2021. Collection method: clinical testing. Allele origin: germline. Affected: yes.
Comment: In silico analysis supports that this missense variant does not alter protein structure/function; Has not been previously published as pathogenic or benign to our knowledge

Fulgent Genetics
Classification: Likely benign for Acrocallosal syndrome; Multiple epiphyseal dysplasia, Al-Gazali type; Hydrolethalus syndrome 2. Last evaluated: 2024-04-18. Review status: criteria provided, single submitter. Criteria: ACMG Guidelines, 2015. Collection method: clinical testing. Allele origin: germline.

Blueprint Genetics
Classification: Likely benign. Last evaluated: 2024-02-19. Review status: criteria provided, single submitter. Criteria: ACMG Guidelines, 2015. Collection method: clinical testing. Allele origin: germline.

Ambry Genetics
Classification: Uncertain significance for Inborn genetic diseases. Last evaluated: 2020-10-21. Review status: criteria provided, single submitter. Criteria: Ambry Variant Classification Scheme 2023. Collection method: clinical testing. Allele origin: germline.
Comment: The c.3637G>A (p.G1213S) alteration is located in exon 18 (coding exon 17) of the KIF7 gene. This alteration results from a G to A substitution at nucleotide position 3637, causing the glycine (G) at amino acid position 1213 to be replaced by a serine (S). Based on data from the Genome Aggregation Database (gnomAD) database, the KIF7 c.3637G>A alteration was observed in 0.03% (79/282782) of total alleles studied, with a frequency of 0.13% (32/24942) in the African subpopulation. This amino acid position is poorly conserved in available vertebrate species. The p.G1213S alteration is predicted to be tolerated by in silico analysis. Based on insufficient or conflicting evidence, the clinical significance of this alteration remains unclear.

Illumina Laboratory Services, Illumina
Classification: Uncertain significance for Acrocallosal syndrome. Last evaluated: 2018-01-13. Review status: criteria provided, single submitter. Criteria: ICSL Variant Classification Criteria 13 December 2019. Collection method: clinical testing. Allele origin: germline.